The following is an entry in ClinVar:

NC_000001.10:g.(?_61869756)_(61872419_?)dup

Gene: NFIA (nuclear factor I A; plus strand). Cytogenetic location: 1p31.3.
Variant type: Duplication.
Identifiers: ClinVar variation 2425384 (VCV002425384.4).

ClinVar aggregate classification (germline): Uncertain significance (1 of 4 stars; one submission).

Submission:

Labcorp Genetics (formerly Invitae), Labcorp
Classification: Uncertain significance. Last evaluated: 2022-03-05. Review status: criteria provided, single submitter. Criteria: Invitae Variant Classification Sherloc (09022015). Collection method: clinical testing. Allele origin: germline.
Comment: In summary, the available evidence is currently insufficient to determine the role of this variant in disease. Therefore, it has been classified as a Variant of Uncertain Significance. Experimental studies and prediction algorithms are not available or were not evaluated, and the functional significance of this variant is currently unknown. This variant has not been reported in the literature in individuals affected with NFIA-related conditions. This variant results in a copy number gain of the genomic region encompassing exon(s) 8-9 of the NFIA gene. While the exact position of this variant cannot be determined from the data, sub-genic copy number gains are generally in tandem (PMID: 25640679). This variant is predicted to be in-frame, and likely preserves the integrity of the reading frame.

Literature cited by the submitters: PubMed 25640679.